The following is an entry in ClinVar:

NM_024079.5(ALG8):c.192G>A (p.Thr64=)

Gene: ALG8 (ALG8 alpha-1,3-glucosyltransferase; minus strand). Cytogenetic location: 11q14.1.
Variant type: single nucleotide variant.
Coding change: c.192G>A on transcript NM_024079.5 (MANE Select); coding-DNA position 192, G replaced by A.
Protein change: p.Thr64=; no amino-acid change (threonine 64 retained).
Molecular consequence: synonymous variant.
Genome position (GRCh38, 1-based): chr11:78,124,197, C>T on the plus strand (G>A on the coding strand, the complement: ALG8 is on the minus strand). VCF-style: chr11-78124197-C-T. GRCh37 (hg19) VCF-style: chr11-77835243-C-T.
Other names: c.192G>A, p.Thr64= (NM_001007027.3, NM_001425220.1, NM_001425221.1 and 14 more transcripts); c.195G>A, p.Thr65= (NM_001425219.1); c.39G>A, p.Thr13= (NM_001425226.1, NM_001425235.1, NM_001425236.1); c.-73G>A (NM_001425234.1, NM_001425239.1); c.-321G>A (NM_001425241.1); c.-359G>A (NM_001425242.1); c.192G>A (NM_024079.4).
Identifiers: ClinVar variation 2850349 (VCV002850349.4), dbSNP rs368390661, ClinGen allele CA6203553.

ClinVar aggregate classification (germline): Likely benign. Review status: criteria provided, multiple submitters, no conflicts (2 of 4 stars). 2 submissions from 2 submitters: Likely benign (2). Last evaluated 2025-09-09.

Conditions:
ALG8-related disorder.
ALG8 congenital disorder of glycosylation. Also called: CONGENITAL DISORDER OF GLYCOSYLATION, TYPE Ih; CDG Ih; ALG8-CDG. Identifiers: Orphanet 79325, MedGen C2931002, MONDO:0011969, OMIM 608104.

Allele frequency attached by ClinVar (database versions not stated): gnomAD exomes 0.00001; ExAC 0.00002; gnomAD 0.00002; TOPMed 0.00003; ESP Exome Variant Server 0.00008.
gnomAD v4.1: 18 of 1,614,134 alleles (0.0011%); highest among the groups gnomAD compares: East Asian, 0.0067%; no homozygotes.

Submissions (2):

Labcorp Genetics (formerly Invitae), Labcorp
Classification: Likely benign for ALG8 congenital disorder of glycosylation. Last evaluated: 2025-09-09. Review status: criteria provided, single submitter. Criteria: Invitae Variant Classification Sherloc (09022015). Collection method: clinical testing. Allele origin: germline.

PreventionGenetics, part of Exact Sciences
Classification: Likely benign for ALG8-related condition. Last evaluated: 2024-10-23. Review status: criteria provided, single submitter. Criteria: ACMG Guidelines, 2015. Collection method: clinical testing. Allele origin: germline.
Comment: This variant is classified as likely benign based on ACMG/AMP sequence variant interpretation guidelines (Richards et al. 2015 PMID: 25741868, with internal and published modifications).